The following is an entry in ClinVar:

NM_006516.4(SLC2A1):c.1160del (p.Pro387fs)

Gene: SLC2A1 (solute carrier family 2 member 1; minus strand). Cytogenetic location: 1p34.2.
Variant type: Deletion.
Coding change: c.1160del on transcript NM_006516.4 (MANE Select); coding-DNA position 1160, one base deleted (C; older notation c.1160delC).
Protein change: p.Pro387fs; shifts the reading frame from proline 387.
Molecular consequence: frameshift variant.
Genome position (GRCh38, 1-based): chr1:42,927,723, G deleted on the plus strand (C on the coding strand, the reverse complement: SLC2A1 is on the minus strand); the first of 3 consecutive G bases (chr1:42,927,723-42,927,725); deleting any one gives the same sequence. VCF-style (leftmost placement, unchanged base first): chr1-42927722-TG-T. GRCh37 (hg19) VCF-style: chr1-43393393-TG-T.
Other names: short protein forms P387fs.
Identifiers: ClinVar variation 3348689 (VCV003348689.1).
Genomic context (GRCh38, chr1:42,927,722, plus strand): 5'-TGCAACGGCAATGGCAGCTGGACGTGGACCCTGGCTGAAGAGTTCAGCCACGATGAACCA[TG>T]GGATGGGGCCAGGACCCACTTCAAAGAAGGCCACAAAGCCAAAGATGGCCACGATGCTCA-3'

ClinVar aggregate classification (germline): Pathogenic (0 of 4 stars; one submission).

Conditions:
SLC2A1-related disorder. Also called: SLC2A1-related condition; SLC2A1-related disorders.

Submission:

PreventionGenetics, part of Exact Sciences
Classification: Pathogenic for SLC2A1-related condition. Last evaluated: 2024-03-12. Review status: no assertion criteria provided. Collection method: clinical testing. Allele origin: germline.
Comment: The SLC2A1 c.1160delC variant is predicted to result in a frameshift and premature protein termination (p.Pro387Hisfs*121). To our knowledge, this variant has not been reported in the literature or in a large population database, indicating this variant is rare. Frameshift variants in SLC2A1 are expected to be pathogenic and have been reported in patients with autosomal dominant SLC2A1-related disorders (Hully et al. 2015. PubMed ID: 26193382). This variant is interpreted as pathogenic.